The following is an entry in ClinVar:

NM_014319.5(LEMD3):c.1321T>G (p.Tyr441Asp)

Gene: LEMD3 (LEM domain containing 3; plus strand). Cytogenetic location: 12q14.3.
Variant type: single nucleotide variant.
Coding change: c.1321T>G on transcript NM_014319.5 (MANE Select); coding-DNA position 1321, T replaced by G.
Protein change: p.Tyr441Asp; replaces tyrosine 441 with aspartic acid.
Molecular consequence: missense variant.
Genome position (GRCh38, 1-based): chr12:65,170,917, T>G. VCF-style: chr12-65170917-T-G. GRCh37 (hg19) VCF-style: chr12-65564697-T-G.
Other names: c.1321T>G, p.Tyr441Asp (NM_001167614.2); short protein forms Y441D.
Identifiers: ClinVar variation 3372589 (VCV003372589.1).
Genomic context (GRCh38, chr12:65,170,917, plus strand): 5'-TCACTCAGGATCAATCACGCCAATCATACGGGCTCCAATCATACCTACCTGAAAAACACA[T>G]ACAACAAACCGAAGCTTTCCGAACCCGAAGAGGAACTTCTCCAGCAATTTAAACGGGAGG-3'
Protein context (NP_055134.2, residues 431-451): GSNHTYLKNT[Tyr441Asp]NKPKLSEPEE

ClinVar aggregate classification (germline): Uncertain significance (1 of 4 stars; one submission).

Submission:

GeneDx
Classification: Uncertain significance. Last evaluated: 2024-04-18. Review status: criteria provided, single submitter. Criteria: GeneDx Variant Classification Process June 2021. Collection method: clinical testing. Allele origin: germline. Affected: yes.
Comment: Not observed at significant frequency in large population cohorts (gnomAD); In silico analysis indicates that this missense variant does not alter protein structure/function; Has not been previously published as pathogenic or benign to our knowledge